The following is an entry in ClinVar:

ClinVar aggregate classification (germline): Uncertain significance. Review status: criteria provided, multiple submitters, no conflicts (2 of 4 stars). 2 submissions from 2 submitters: Uncertain significance (2). Last evaluated 2024-04-23.

Conditions:
Congenital myasthenic syndrome 10. Also called: Myasthenia, limb-girdle, familial. Identifiers: Orphanet 590, MedGen C1850792, MONDO:0009690, OMIM 254300.
Fetal akinesia deformation sequence 1 (FADS1). Also called: Pena-Shokeir syndrome type I; Fetal akinesia sequence. Identifiers: Orphanet 994, MedGen C1276035, MONDO:0100101, OMIM 208150, HP:0001989.

Allele frequency attached by ClinVar (database versions not stated): gnomAD exomes 0.00002; ExAC 0.00003; TOPMed 0.00006; gnomAD 0.00008; 1000 Genomes Project 30x 0.00016; 1000 Genomes Project 0.00020; ESP Exome Variant Server 0.00023.
gnomAD v4.1: 28 of 1,611,956 alleles (0.0017%); highest among the groups gnomAD compares: African/African-American, 0.033%; no homozygotes.

Submissions (2):

Revvity Omics, Revvity
Classification: Uncertain significance. Last evaluated: 2024-04-23. Review status: criteria provided, single submitter. Criteria: ACMG Guidelines, 2015. Collection method: clinical testing. Allele origin: germline.

Labcorp Genetics (formerly Invitae), Labcorp
Classification: Uncertain significance for Congenital myasthenic syndrome 10; Fetal akinesia deformation sequence 1. Last evaluated: 2022-07-05. Review status: criteria provided, single submitter. Criteria: Invitae Variant Classification Sherloc (09022015). Collection method: clinical testing. Allele origin: germline.
Comment: This sequence change replaces serine, which is neutral and polar, with arginine, which is basic and polar, at codon 410 of the DOK7 protein (p.Ser410Arg). This variant is present in population databases (rs200593935, gnomAD 0.03%). This variant has not been reported in the literature in individuals affected with DOK7-related conditions. ClinVar contains an entry for this variant (Variation ID: 1054552). Algorithms developed to predict the effect of missense changes on protein structure and function output the following: SIFT: "Deleterious"; PolyPhen-2: "Probably Damaging"; Align-GVGD: "Class C0". The arginine amino acid residue is found in multiple mammalian species, which suggests that this missense change does not adversely affect protein function. In summary, the available evidence is currently insufficient to determine the role of this variant in disease. Therefore, it has been classified as a Variant of Uncertain Significance.

NM_173660.5(DOK7):c.1230C>A (p.Ser410Arg)

Gene: DOK7 (docking protein 7; plus strand). Cytogenetic location: 4p16.3.
Variant type: single nucleotide variant.
Coding change: c.1230C>A on transcript NM_173660.5 (MANE Select); coding-DNA position 1230, C replaced by A.
Protein change: p.Ser410Arg; replaces serine 410 with arginine.
Molecular consequence: missense variant. On other transcripts: 3 prime UTR variant (1).
Genome position (GRCh38, 1-based): chr4:3,493,216, C>A. VCF-style: chr4-3493216-C-A. GRCh37 (hg19) VCF-style: chr4-3494943-C-A.
Other names: c.*451C>A (NM_001164673.2); c.300C>A, p.Ser100Arg (NM_001256896.2); c.1230C>A, p.Ser410Arg (NM_001301071.2); c.798C>A, p.Ser266Arg (NM_001363811.2); short protein forms S100R, S266R, S410R.
Identifiers: ClinVar variation 1054552 (VCV001054552.5), dbSNP rs200593935, ClinGen allele CA2829420.